The following is an entry in ClinVar:

NC_000002.11:g.(?_179425856)_(179596206_?)del

Gene: TTN (titin; minus strand). Cytogenetic location: 2q31.2.
Variant type: Deletion.
Identifiers: ClinVar variation 2424050 (VCV002424050.6).

ClinVar aggregate classification (germline): Likely pathogenic (1 of 4 stars; one submission).

Conditions:
Dilated cardiomyopathy 1G (CMD1G). Identifiers: Orphanet 154, MedGen C1858763, MONDO:0011400, OMIM 604145.
Autosomal recessive limb-girdle muscular dystrophy type 2J (LGMDR10). Also called: MUSCULAR DYSTROPHY, LIMB-GIRDLE, AUTOSOMAL RECESSIVE 10; Limb-girdle muscular dystrophy, type 2J. Identifiers: Orphanet 140922, MedGen C1837342, MONDO:0012127, OMIM 608807.

Submission:

Labcorp Genetics (formerly Invitae), Labcorp
Classification: Likely pathogenic for Dilated cardiomyopathy 1G; Autosomal recessive limb-girdle muscular dystrophy type 2J. Last evaluated: 2022-09-22. Review status: criteria provided, single submitter. Criteria: Invitae Variant Classification Sherloc (09022015). Collection method: clinical testing. Allele origin: germline.
Comment: In summary, the currently available evidence indicates that the variant is pathogenic, but additional data are needed to prove that conclusively. Therefore, this variant has been classified as Likely Pathogenic. This variant is located in the A band of TTN (PMID: 25589632). Truncating variants in this region are significantly overrepresented in patients affected with dilated cardiomyopathy (PMID: 25589632). Truncating variants in this region have also been reported in individuals affected with autosomal recessive centronuclear myopathy (PMID: 23975875). This variant has not been reported in the literature in individuals affected with TTN-related conditions. This variant results in the deletion of part of exon 59, exons 60-325, and part of exon 326 (c.17287_85003del) of the TTN gene. While this is not anticipated to result in nonsense mediated decay, it is expected to create a truncated TTN protein.

Literature cited by the submitters: PubMed 25589632; PubMed 23975875.